The following is an entry in ClinVar:

NM_000179.3(MSH6):c.67G>A (p.Ala23Thr)

Gene: MSH6 (mutS homolog 6; plus strand). Cytogenetic location: 2p16.3.
Variant type: single nucleotide variant.
Coding change: c.67G>A on transcript NM_000179.3 (MANE Select); coding-DNA position 67, G replaced by A.
Protein change: p.Ala23Thr; replaces alanine 23 with threonine.
Molecular consequence: missense variant. On other transcripts: 5 prime UTR variant (1).
Genome position (GRCh38, 1-based): chr2:47,783,300, G>A. VCF-style: chr2-47783300-G-A. GRCh37 (hg19) VCF-style: chr2-48010439-G-A.
Other names: p.A23T:GCC>ACC; c.67G>A, p.Ala23Thr (NM_001281492.2); c.-670G>A (NM_001281493.2); short protein forms A23T.
Identifiers: ClinVar variation 182652 (VCV000182652.34), dbSNP rs730881810, ClinGen allele CA016226.

ClinVar aggregate classification (germline): Conflicting classifications of pathogenicity. Review status: criteria provided, conflicting classifications (1 of 4 stars). 13 submissions from 13 submitters: Uncertain significance (10); Benign (1); Likely benign (1). 1 of the submissions does not count toward it. Last evaluated 2026-01-12.

Conditions:
Endometrial carcinoma. Also called: Endometrial carcinoma, somatic. Identifiers: MedGen C0476089, MONDO:0002447, OMIM 608089, HP:0012114.
Lynch-like syndrome.
Hereditary nonpolyposis colorectal neoplasms. Identifiers: MedGen C0009405, MeSH D003123.
Hereditary cancer-predisposing syndrome. Also called: Tumor predisposition; Hereditary Cancer Syndrome; Hereditary neoplastic syndrome; Neoplastic Syndromes, Hereditary. Identifiers: Orphanet 140162, MedGen C0027672, MeSH D009386, MONDO:0015356.
Lynch syndrome. Identifiers: Orphanet 144, MedGen C4552100, MONDO:0005835. Disease mechanism: loss of function.
Lynch syndrome 5 (LYNCH5). Also called: Colorectal cancer, hereditary nonpolyposis, type 5; Hereditary non-polyposis colorectal cancer, type 5. Identifiers: Orphanet 144, MedGen C1833477, MONDO:0013710, OMIM 614350. Disease mechanism: loss of function.

gnomAD v4.1: 1 of 1,612,090 alleles (0.000062%); no homozygotes.

Submissions (13):

Labcorp Genetics (formerly Invitae), Labcorp
Classification: Benign for Hereditary nonpolyposis colorectal neoplasms. Last evaluated: 2026-01-12. Review status: criteria provided, single submitter. Criteria: Invitae Variant Classification Sherloc (09022015). Collection method: clinical testing. Allele origin: germline.

Color Diagnostics, LLC DBA Color Health
Classification: Uncertain significance for Hereditary cancer-predisposing syndrome. Last evaluated: 2025-11-06. Review status: criteria provided, single submitter. Criteria: ACMG Guidelines, 2015. Collection method: clinical testing. Allele origin: germline.
Comment: This missense variant replaces alanine with threonine at codon 23 of the MSH6 protein. Computational prediction suggests that this variant may not impact protein structure and function. To our knowledge, functional studies have not been reported for this variant. This variant has not been reported in individuals affected with MSH6-related disorders in the literature. This variant has been identified in 1/1612090 chromosomes in the general population by the Genome Aggregation Database (gnomAD). The available evidence is insufficient to determine the role of this variant in disease conclusively. Therefore, this variant is classified as a Variant of Uncertain Significance.

Myriad Genetics, Inc.
Classification: Likely benign for Lynch syndrome 5. Last evaluated: 2025-08-21. Review status: criteria provided, single submitter. Criteria: Myriad Autosomal Dominant, Autosomal Recessive and X-Linked Classification Criteria (2023). Collection method: clinical testing. Allele origin: unknown.
Comment: This variant is considered likely benign. Homozygosity for this variant has been confirmed in one or more individuals lacking clinical features consistent with gene-specific recessive disease, indicating that this variant is unlikely to be pathogenic.

Women's Health and Genetics/Laboratory Corporation of America, LabCorp
Classification: Uncertain significance. Last evaluated: 2025-04-04. Review status: criteria provided, single submitter. Criteria: LabCorp Variant Classification Summary - May 2015. Collection method: clinical testing. Allele origin: germline.
Comment: Variant summary: MSH6 c.67G>A (p.Ala23Thr) results in a non-conservative amino acid change in the encoded protein sequence. Four of five in-silico tools predict a benign effect of the variant on protein function. The variant was absent in 242912 control chromosomes. The available data on variant occurrences in the general population are insufficient to allow any conclusion about variant significance. To our knowledge, no occurrence of c.67G>A in individuals affected with Hereditary Nonpolyposis Colorectal Cancer and no experimental evidence demonstrating its impact on protein function have been reported. ClinVar contains an entry for this variant (Variation ID: 182652). Based on the evidence outlined above, the variant was classified as uncertain significance.

Institute for Biomarker Research, Medical Diagnostic Laboratories, L.L.C.
Classification: Uncertain significance for Hereditary cancer-predisposing syndrome. Last evaluated: 2024-12-23. Review status: criteria provided, single submitter. Criteria: ACMG Guidelines, 2015. Collection method: clinical testing. Allele origin: germline.
Comment: The missense variant NM_000179.3(MSH6):c.67G>A (p.Ala23Thr) has not been reported previously as a pathogenic variant nor as a benign variant, to our knowledge. The p.Ala23Thr variant is novel (not in any individuals) in gnomAD. The p.Ala23Thr variant is novel (not in any individuals) in 1kG. There is a small physicochemical difference between alanine and threonine, which is not likely to impact secondary protein structure as these residues share similar properties. For these reasons, this variant has been classified as Uncertain Significance.

Ambry Genetics
Classification: Uncertain significance for Hereditary cancer-predisposing syndrome. Last evaluated: 2024-09-26. Review status: criteria provided, single submitter. Criteria: Ambry Variant Classification Scheme 2023. Collection method: clinical testing. Allele origin: germline.
Comment: The p.A23T variant (also known as c.67G>A), located in coding exon 1 of the MSH6 gene, results from a G to A substitution at nucleotide position 67. The alanine at codon 23 is replaced by threonine, an amino acid with similar properties. This amino acid position is not well conserved in available vertebrate species. In addition, this alteration is predicted to be tolerated by in silico analysis. Since supporting evidence is limited at this time, the clinical significance of this alteration remains unclear.

Quest Diagnostics Nichols Institute San Juan Capistrano
Classification: Uncertain significance. Last evaluated: 2024-07-02. Review status: criteria provided, single submitter. Criteria: Quest Diagnostics criteria. Collection method: clinical testing. Allele origin: unknown.
Comment: The MSH6 c.67G>A (p.Ala23Thr) variant has not been reported in individuals with MSH6-related conditions in the published literature. It also has not been reported in large, multi-ethnic general populations (Genome Aggregation Database). Analysis of this variant using bioinformatics tools for the prediction of the effect of amino acid changes on protein structure and function yielded predictions that this variant is benign. Based on the available information, we are unable to determine the clinical significance of this variant.

GeneDx
Classification: Uncertain significance. Last evaluated: 2024-05-31. Review status: criteria provided, single submitter. Criteria: GeneDx Variant Classification Process June 2021. Collection method: clinical testing. Allele origin: germline. Affected: yes.
Comment: Not observed at significant frequency in large population cohorts (gnomAD); In silico analysis indicates that this missense variant does not alter protein structure/function; Has not been previously published as pathogenic or benign to our knowledge; This variant is associated with the following publications: (PMID: 28481359, 30609409)

All of Us Research Program, National Institutes of Health
Classification: Uncertain significance for Lynch syndrome. Last evaluated: 2024-03-24. Review status: criteria provided, single submitter. Criteria: ACMG Guidelines, 2015. Collection method: clinical testing. Allele origin: germline. Inheritance: Autosomal dominant inheritance. Observed: 2 variant alleles, 2 heterozygotes.
Comment: This missense variant replaces alanine with threonine at codon 23 of the MSH6 protein. Computational prediction suggests that this variant may not impact protein structure and function (internally defined REVEL score threshold <= 0.5, PMID: 27666373). To our knowledge, functional studies have not been reported for this variant. This variant has not been reported in individuals affected with MSH6-related disorders in the literature. This variant has not been identified in the general population by the Genome Aggregation Database (gnomAD). The available evidence is insufficient to determine the role of this variant in disease conclusively. Therefore, this variant is classified as a Variant of Uncertain Significance.

This study involves interpretation of variants in research participants for the purpose of population health screening. Participant phenotype was not available at the time of variant classification. Additional details can be found in publication PMID: 35346344, PMCID: PMC8962531

Baylor Genetics
Classification: Uncertain significance for Endometrial carcinoma. Last evaluated: 2024-03-08. Review status: criteria provided, single submitter. Criteria: ACMG Guidelines, 2015. Collection method: clinical testing. Allele origin: unknown.

Molecular Pathology, Peter Maccallum Cancer Centre
Classification: Uncertain significance for Lynch syndrome 5. Last evaluated: 2024-01-31. Review status: criteria provided, single submitter. Criteria: ACMG Guidelines, 2015. Collection method: clinical testing. Allele origin: germline. Inheritance: Autosomal dominant inheritance.

Sema4
Classification: Uncertain significance for Hereditary cancer-predisposing syndrome. Last evaluated: 2021-11-15. Review status: criteria provided, single submitter. Criteria: Sema4 Curation Guidelines. Collection method: curation. Allele origin: germline.
Comment: The MSH6 c.67G>A (p.A23T) variant has not been reported in the literature to our knowledge. This variant was not observed in the large and broad cohorts of the Genome Aggregation Database (PMID: 32461654). This variant has been reported in ClinVar (Variation ID: 182652). In silico tools suggest the impact of the variant on protein function is benign, though these predictions have not been confirmed by functional studies. The overall evidence is insufficient to meet ACMG/AMP criteria for classifying it as benign or pathogenic. In summary, the clinical significance of this variant is currently uncertain.

Constitutional Genetics Lab, Leon Berard Cancer Center
Classification: Uncertain significance for Lynch-like syndrome. Last evaluated: 2019-07-01. Review status: no assertion criteria provided. Collection method: clinical testing. Allele origin: somatic. Affected: yes. Not counted in ClinVar's aggregate classification.